The following is an entry in ClinVar:

ClinVar aggregate classification (germline): Uncertain significance. Review status: criteria provided, multiple submitters, no conflicts (2 of 4 stars). 2 submissions from 2 submitters: Uncertain significance (2). Last evaluated 2024-08-19.

Conditions:
Inborn genetic diseases. Identifiers: MedGen C0950123, MeSH D030342.

Allele frequency attached by ClinVar (database versions not stated): gnomAD exomes below 0.00001; gnomAD 0.00001; TOPMed 0.00001; ExAC 0.00002; ESP Exome Variant Server 0.00008.

Submissions (2):

Labcorp Genetics (formerly Invitae), Labcorp
Classification: Uncertain significance. Last evaluated: 2024-08-19. Review status: criteria provided, single submitter. Criteria: Invitae Variant Classification Sherloc (09022015). Collection method: clinical testing. Allele origin: germline.
Comment: This sequence change replaces glycine, which is neutral and non-polar, with serine, which is neutral and polar, at codon 1967 of the ATR protein (p.Gly1967Ser). This variant is present in population databases (rs371240239, gnomAD 0.0009%). This variant has not been reported in the literature in individuals affected with ATR-related conditions. ClinVar contains an entry for this variant (Variation ID: 1750347). An algorithm developed to predict the effect of missense changes on protein structure and function (PolyPhen-2) suggests that this variant is likely to be disruptive. In summary, the available evidence is currently insufficient to determine the role of this variant in disease. Therefore, it has been classified as a Variant of Uncertain Significance.

Ambry Genetics
Classification: Uncertain significance for Inborn genetic diseases. Last evaluated: 2021-06-25. Review status: criteria provided, single submitter. Criteria: Ambry Variant Classification Scheme 2023. Collection method: clinical testing. Allele origin: germline.
Comment: The p.G1967S variant (also known as c.5899G>A) is located in coding exon 35 of the ATR gene. The glycine at codon 1967 is replaced by serine, an amino acid with similar properties. This change occurs in the first base pair of coding exon 35. This amino acid position is conserved. In addition, the in silico prediction for this alteration is inconclusive. Since supporting evidence is limited at this time, the clinical significance of this alteration remains unclear.

NM_001184.4(ATR):c.5899G>A (p.Gly1967Ser)

Gene: ATR (ATR checkpoint kinase; minus strand). Cytogenetic location: 3q23.
Variant type: single nucleotide variant.
Coding change: c.5899G>A on transcript NM_001184.4 (MANE Select); coding-DNA position 5899, G replaced by A.
Protein change: p.Gly1967Ser; replaces glycine 1967 with serine.
Molecular consequence: missense variant.
Genome position (GRCh38, 1-based): chr3:142,493,311, C>T on the plus strand (G>A on the coding strand, the complement: ATR is on the minus strand). VCF-style: chr3-142493311-C-T. GRCh37 (hg19) VCF-style: chr3-142212153-C-T.
Other names: c.5707G>A, p.Gly1903Ser (NM_001354579.2); short protein forms G1903S, G1967S.
Identifiers: ClinVar variation 1750347 (VCV001750347.4), dbSNP rs371240239, ClinGen allele CA2649447.